The following is an entry in ClinVar:

NM_017617.5(NOTCH1):c.2863C>T (p.Arg955Cys)

Gene: NOTCH1 (notch receptor 1; minus strand). Cytogenetic location: 9q34.3.
Variant type: single nucleotide variant.
Coding change: c.2863C>T on transcript NM_017617.5 (MANE Select); coding-DNA position 2863, C replaced by T.
Protein change: p.Arg955Cys; replaces arginine 955 with cysteine.
Molecular consequence: missense variant.
Genome position (GRCh38, 1-based): chr9:136,509,839, G>A on the plus strand (C>T on the coding strand, the complement: NOTCH1 is on the minus strand). VCF-style: chr9-136509839-G-A. GRCh37 (hg19) VCF-style: chr9-139404291-G-A.
Other names: c.2863C>T, p.Arg955Cys (LRG_1122t1); short protein forms R955C.
Identifiers: ClinVar variation 544173 (VCV000544173.19), dbSNP rs370797169, ClinGen allele CA5341131.

ClinVar aggregate classification (germline): Conflicting classifications of pathogenicity. Review status: criteria provided, conflicting classifications (1 of 4 stars). 4 submissions from 4 submitters: Uncertain significance (2); Likely benign (2). Last evaluated 2025-08-16.

Conditions:
Adams-Oliver syndrome 5 (AOS5). Identifiers: Orphanet 974, MedGen C4014970, MONDO:0014459, OMIM 616028.
Familial thoracic aortic aneurysm and aortic dissection (TAAD). Also called: Thoracic aortic aneurysms and dissections. Identifiers: Orphanet 91387, MedGen C4707243, MONDO:0019625.

Allele frequency attached by ClinVar (database versions not stated): TOPMed 0.00007; gnomAD 0.00010 and 0.00011; gnomAD exomes 0.00010; ESP Exome Variant Server 0.00016; ExAC 0.00018.
gnomAD v4.1: 121 of 1,613,004 alleles (0.0075%); highest among the groups gnomAD compares: Middle Eastern, 0.033%; no homozygotes.

Submissions (4):

Labcorp Genetics (formerly Invitae), Labcorp
Classification: Likely benign for Adams-Oliver syndrome 5. Last evaluated: 2025-08-16. Review status: criteria provided, single submitter. Criteria: Invitae Variant Classification Sherloc (09022015). Collection method: clinical testing. Allele origin: germline.

Ambry Genetics
Classification: Uncertain significance for Familial thoracic aortic aneurysm and aortic dissection. Last evaluated: 2025-06-16. Review status: criteria provided, single submitter. Criteria: Ambry Variant Classification Scheme 2023. Collection method: clinical testing. Allele origin: germline.
Comment: The p.R955C variant (also known as c.2863C>T), located in coding exon 18 of the NOTCH1 gene, results from a C to T substitution at nucleotide position 2863. The arginine at codon 955 is replaced by cysteine, an amino acid with highly dissimilar properties. This amino acid position is poorly conserved in available vertebrate species. In addition, the in silico prediction for this alteration is inconclusive. Since supporting evidence is limited at this time, the clinical significance of this alteration remains unclear.

GeneDx
Classification: Uncertain significance. Last evaluated: 2024-09-19. Review status: criteria provided, single submitter. Criteria: GeneDx Variant Classification Process June 2021. Collection method: clinical testing. Allele origin: germline. Affected: yes.
Comment: Has not been previously published as pathogenic or benign to our knowledge; In silico analysis supports that this missense variant has a deleterious effect on protein structure/function

Blueprint Genetics
Classification: Likely benign. Last evaluated: 2023-06-13. Review status: criteria provided, single submitter. Criteria: ACMG Guidelines, 2015. Collection method: clinical testing. Allele origin: germline.